The following is an entry in ClinVar:

ClinVar aggregate classification (germline): Uncertain significance (1 of 4 stars; one submission).

gnomAD v4.1: 4 of 1,614,234 alleles (0.00025%); highest among the groups gnomAD compares: Non-Finnish European, 0.00034%; no homozygotes.

Submission:

GeneDx
Classification: Uncertain significance. Last evaluated: 2026-02-27. Review status: criteria provided, single submitter. Criteria: GeneDx Variant Classification Process June 2021. Collection method: clinical testing. Allele origin: germline.
Comment: Not observed at significant frequency in large population cohorts (gnomAD); In silico analysis suggests that this missense variant does not alter protein structure/function; Has not been previously published as pathogenic or benign to our knowledge

NM_002471.4(MYH6):c.139G>A (p.Val47Ile)

Genes: MYH6 (myosin heavy chain 6; minus strand), LOC114827851 (VISTA enhancer hs2155; plus strand). Cytogenetic location: 14q11.2.
Variant type: single nucleotide variant.
Coding change: c.139G>A on transcript NM_002471.4 (MANE Select); coding-DNA position 139, G replaced by A.
Protein change: p.Val47Ile; replaces valine 47 with isoleucine.
Molecular consequence: missense variant.
Genome position (GRCh38, 1-based): chr14:23,407,085, C>T on the plus strand (G>A on the coding strand, the complement: MYH6 is on the minus strand). VCF-style: chr14-23407085-C-T. GRCh37 (hg19) VCF-style: chr14-23876294-C-T.
Other names: short protein forms V47I.
Identifiers: ClinVar variation 5008195 (VCV005008195.1).